The following is an entry in ClinVar:

NM_002878.4(RAD51D):c.173del (p.Leu58fs)

Genes: RAD51D (RAD51 paralog D; minus strand), RAD51L3-RFFL (RAD51L3-RFFL readthrough; minus strand). Cytogenetic location: 17q12.
Variant type: Deletion.
Coding change: c.173del on transcript NM_002878.4 (MANE Select); coding-DNA position 173, one base deleted (T; older notation c.173delT).
Protein change: p.Leu58fs; shifts the reading frame from leucine 58.
Molecular consequence: frameshift variant. On other transcripts: intron variant (2).
Genome position (GRCh38, 1-based): chr17:35,118,591, A deleted on the plus strand (T on the coding strand, the reverse complement: RAD51D is on the minus strand). VCF-style (leftmost placement, unchanged base first): chr17-35118590-CA-C. GRCh37 (hg19) VCF-style: chr17-33445609-CA-C.
Other names: c.173delT, p.Leu58Argfs (NM_002878.3); c.144+520del (NM_133629.3, NM_001142571.2); short protein forms L58fs.
Identifiers: ClinVar variation 3600942 (VCV003600942.1).

ClinVar aggregate classification (germline): Uncertain significance (1 of 4 stars; one submission).

Submission:

GeneDx
Classification: Uncertain significance. Last evaluated: 2024-07-26. Review status: criteria provided, single submitter. Criteria: GeneDx Variant Classification Process June 2021. Collection method: clinical testing. Allele origin: germline. Affected: yes.
Comment: Frameshift variant in exon 3 predicted to result in protein truncation or nonsense mediated decay in a gene for which loss-of-function is a known mechanism of disease; however RNA studies demonstrate a naturally occurring isoform lacking exon 3 in multiple tissues (PMID: 28905878, 30623411); Has not been previously published as pathogenic or benign to our knowledge; Not observed at significant frequency in large population cohorts (gnomAD); This variant is associated with the following publications: (PMID: 28905878, 30623411)